The following is an entry in ClinVar:

ClinVar aggregate classification (germline): Uncertain significance (1 of 4 stars; one submission).

Conditions:
DICER1-related tumor predisposition. Also called: DICER1 syndrome; DICER1-related pleuropulmonary blastoma cancer predisposition syndrome. Identifiers: Orphanet 284343, MedGen C3839822, MONDO:0100216.

Submission:

Labcorp Genetics (formerly Invitae), Labcorp
Classification: Uncertain significance for DICER1-related tumor predisposition. Last evaluated: 2022-10-18. Review status: criteria provided, single submitter. Criteria: Invitae Variant Classification Sherloc (09022015). Collection method: clinical testing. Allele origin: germline.
Comment: This sequence change replaces leucine, which is neutral and non-polar, with isoleucine, which is neutral and non-polar, at codon 1617 of the DICER1 protein (p.Leu1617Ile). This variant is not present in population databases (gnomAD no frequency). This variant has not been reported in the literature in individuals affected with DICER1-related conditions. Algorithms developed to predict the effect of missense changes on protein structure and function (SIFT, PolyPhen-2, Align-GVGD) all suggest that this variant is likely to be tolerated. In summary, the available evidence is currently insufficient to determine the role of this variant in disease. Therefore, it has been classified as a Variant of Uncertain Significance.

NM_177438.3(DICER1):c.4849C>A (p.Leu1617Ile)

Gene: DICER1 (dicer 1, ribonuclease III; minus strand). Cytogenetic location: 14q32.13.
Variant type: single nucleotide variant.
Coding change: c.4849C>A on transcript NM_177438.3 (MANE Select); coding-DNA position 4849, C replaced by A.
Protein change: p.Leu1617Ile; replaces leucine 1617 with isoleucine.
Molecular consequence: missense variant. On other transcripts: non-coding transcript variant (6).
Genome position (GRCh38, 1-based): chr14:95,096,071, G>T on the plus strand (C>A on the coding strand, the complement: DICER1 is on the minus strand). VCF-style: chr14-95096071-G-T. GRCh37 (hg19) VCF-style: chr14-95562408-G-T.
Other names: c.4849C>A, p.Leu1617Ile (NM_001195573.1, NM_001271282.3, NM_001291628.2 and 13 more transcripts); c.4567C>A, p.Leu1523Ile (NM_001395686.1); c.4444C>A, p.Leu1482Ile (NM_001395687.1, NM_001395688.1, NM_001395689.1 and 2 more transcripts); c.4282C>A, p.Leu1428Ile (NM_001395691.1); c.3166C>A, p.Leu1056Ile (NM_001395697.1); short protein forms L1056I, L1428I, L1482I, L1523I, L1617I.
Identifiers: ClinVar variation 1721023 (VCV001721023.6), dbSNP rs2139842081, ClinGen allele CA390866760.